The following is an entry in ClinVar:

ClinVar aggregate classification (germline): Uncertain significance (1 of 4 stars; one submission).

Conditions:
LRP2-related disorder. Also called: LRP2-related condition.

Allele frequency attached by ClinVar (database versions not stated): gnomAD exomes below 0.00001; TOPMed below 0.00001; gnomAD 0.00001.
gnomAD v4.1: 2 of 1,613,934 alleles (0.00012%); highest among the groups gnomAD compares: East Asian, 0.0022%; no homozygotes.

Submission:

PreventionGenetics, part of Exact Sciences
Classification: Uncertain significance for LRP2-related condition. Last evaluated: 2023-04-18. Review status: criteria provided, single submitter. Criteria: ACMG Guidelines, 2015. Collection method: clinical testing. Allele origin: germline.
Comment: The LRP2 c.12426G>A variant is predicted to result in the amino acid substitution p.Met4142Ile. To our knowledge, this variant has not been reported in the literature. This variant is reported in 0.0054% of alleles in individuals of East Asian descent in gnomAD. At this time, the clinical significance of this variant is uncertain due to the absence of conclusive functional and genetic evidence.

NM_004525.3(LRP2):c.12426G>A (p.Met4142Ile)

Gene: LRP2 (LDL receptor related protein 2; minus strand). Cytogenetic location: 2q31.1.
Variant type: single nucleotide variant.
Coding change: c.12426G>A on transcript NM_004525.3 (MANE Select); coding-DNA position 12426, G replaced by A.
Protein change: p.Met4142Ile; replaces methionine 4142 with isoleucine.
Molecular consequence: missense variant.
Genome position (GRCh38, 1-based): chr2:169,152,834, C>T on the plus strand (G>A on the coding strand, the complement: LRP2 is on the minus strand). VCF-style: chr2-169152834-C-T. GRCh37 (hg19) VCF-style: chr2-170009344-C-T.
Other names: short protein forms M4142I.
Identifiers: ClinVar variation 2633476 (VCV002633476.1), dbSNP rs1434035735, ClinGen allele CA349134868.